The following is an entry in ClinVar:

NM_005477.3(HCN4):c.785+13A>C

Gene: HCN4 (hyperpolarization activated cyclic nucleotide gated potassium channel 4; minus strand). Cytogenetic location: 15q24.1.
Variant type: single nucleotide variant.
Coding change: c.785+13A>C on transcript NM_005477.3 (MANE Select); 13 bases into the intron after coding-DNA position 785, A replaced by C.
Molecular consequence: intron variant.
Genome position (GRCh38, 1-based): chr15:73,367,473, T>G on the plus strand (A>C on the coding strand, the complement: HCN4 is on the minus strand). VCF-style: chr15-73367473-T-G. GRCh37 (hg19) VCF-style: chr15-73659814-T-G.
Identifiers: ClinVar variation 513031 (VCV000513031.9), dbSNP rs573865102, ClinGen allele CA7649423.

ClinVar aggregate classification (germline): Benign/Likely benign. Review status: criteria provided, multiple submitters, no conflicts (2 of 4 stars). 3 submissions from 3 submitters: Benign (1); Likely benign (2). Last evaluated 2025-12-18.

Conditions:
Brugada syndrome 8 (BRGDA8). Identifiers: Orphanet 130, MedGen C2751083, MONDO:0013148, OMIM 613123.

Allele frequency attached by ClinVar (database versions not stated): gnomAD 0.00002 and 0.00005; TOPMed 0.00003; gnomAD exomes 0.00010 and 0.00021; ExAC 0.00025.
gnomAD v4.1: 155 of 1,612,654 alleles (0.0096%); highest among the groups gnomAD compares: South Asian, 0.15%; 2 homozygotes.

Submissions (3):

Labcorp Genetics (formerly Invitae), Labcorp
Classification: Benign for Brugada syndrome 8. Last evaluated: 2025-12-18. Review status: criteria provided, single submitter. Criteria: Invitae Variant Classification Sherloc (09022015). Collection method: clinical testing. Allele origin: germline.

Blueprint Genetics
Classification: Likely benign. Last evaluated: 2024-06-17. Review status: criteria provided, single submitter. Criteria: ACMG Guidelines, 2015. Collection method: clinical testing. Allele origin: germline.

GeneDx
Classification: Likely benign. Last evaluated: 2017-11-03. Review status: criteria provided, single submitter. Criteria: GeneDx Variant Classification (06012015). Collection method: clinical testing. Allele origin: germline. Affected: yes.
Comment: This variant is considered likely benign or benign based on one or more of the following criteria: it is a conservative change, it occurs at a poorly conserved position in the protein, it is predicted to be benign by multiple in silico algorithms, and/or has population frequency not consistent with disease.